The following is an entry in ClinVar:

ClinVar aggregate classification (germline): Uncertain significance (1 of 4 stars; one submission).

Conditions:
Dyskeratosis congenita, autosomal recessive 5 (DKCB5). Identifiers: MedGen C3554656, MONDO:0014076, OMIM 615190.
Pulmonary fibrosis and/or bone marrow failure, Telomere-related, 3. Also called: PULMONARY FIBROSIS AND/OR BONE MARROW FAILURE SYNDROME, TELOMERE-RELATED, 3. Identifiers: Orphanet 2032, MedGen C4225346, MONDO:0014613, OMIM 616373.

Submission:

Labcorp Genetics (formerly Invitae), Labcorp
Classification: Uncertain significance for Dyskeratosis congenita, autosomal recessive 5; Pulmonary fibrosis and/or bone marrow failure, Telomere-related, 3. Last evaluated: 2022-05-06. Review status: criteria provided, single submitter. Criteria: Invitae Variant Classification Sherloc (09022015). Collection method: clinical testing. Allele origin: germline.
Comment: In summary, the available evidence is currently insufficient to determine the role of this variant in disease. Therefore, it has been classified as a Variant of Uncertain Significance. Algorithms developed to predict the effect of missense changes on protein structure and function (SIFT, PolyPhen-2, Align-GVGD) all suggest that this variant is likely to be tolerated. This variant has not been reported in the literature in individuals affected with RTEL1-related conditions. This variant is not present in population databases (gnomAD no frequency). This sequence change replaces serine, which is neutral and polar, with threonine, which is neutral and polar, at codon 814 of the RTEL1 protein (p.Ser814Thr).

NM_001283009.2(RTEL1):c.2441G>C (p.Ser814Thr)

Genes: RTEL1 (regulator of telomere elongation helicase 1; plus strand), RTEL1-TNFRSF6B (RTEL1-TNFRSF6B readthrough (NMD candidate); plus strand). Cytogenetic location: 20q13.33.
Variant type: single nucleotide variant.
Coding change: c.2441G>C on transcript NM_001283009.2 (MANE Select); coding-DNA position 2441, G replaced by C.
Protein change: p.Ser814Thr; replaces serine 814 with threonine.
Molecular consequence: missense variant. On other transcripts: non-coding transcript variant (1).
Genome position (GRCh38, 1-based): chr20:63,690,832, G>C. VCF-style: chr20-63690832-G-C. GRCh37 (hg19) VCF-style: chr20-62322185-G-C.
Other names: c.1772G>C, p.Ser591Thr (NM_001283010.1); c.2441G>C, p.Ser814Thr (NM_016434.4); c.2513G>C, p.Ser838Thr (NM_032957.5); short protein forms S838T, S591T, S814T.
Identifiers: ClinVar variation 2134643 (VCV002134643.4), dbSNP rs2090722045, ClinGen allele CA409681441.